The following is an entry in ClinVar:

NM_020745.4(AARS2):c.895-331T>G

Gene: AARS2 (alanyl-tRNA synthetase 2, mitochondrial; minus strand). Cytogenetic location: 6p21.1.
Variant type: single nucleotide variant.
Coding change: c.895-331T>G on transcript NM_020745.4 (MANE Select); 331 bases into the intron before coding-DNA position 895, T replaced by G.
Molecular consequence: intron variant.
Genome position (GRCh38, 1-based): chr6:44,307,725, A>C on the plus strand (T>G on the coding strand, the complement: AARS2 is on the minus strand). VCF-style: chr6-44307725-A-C. GRCh37 (hg19) VCF-style: chr6-44275462-A-C.
Identifiers: ClinVar variation 673071 (VCV000673071.1), dbSNP rs75063435, ClinGen allele CA138391630.

ClinVar aggregate classification (germline): Likely benign (1 of 4 stars; one submission).

Allele frequency attached by ClinVar (database versions not stated): gnomAD exomes 0.00154; gnomAD 0.01012 and 0.01088; 1000 Genomes Project 0.01098; TOPMed 0.01113; 1000 Genomes Project 30x 0.01171.
gnomAD v4.1: 1,863 of 368,824 alleles (0.51%); highest among the groups gnomAD compares: African/African-American, 3.5%; 25 homozygotes.

Submission:

GeneDx
Classification: Likely benign. Last evaluated: 2018-06-14. Review status: criteria provided, single submitter. Criteria: GeneDx Variant Classification (06012015). Collection method: clinical testing. Allele origin: germline. Affected: yes.
Comment: This variant is considered likely benign or benign based on one or more of the following criteria: it is a conservative change, it occurs at a poorly conserved position in the protein, it is predicted to be benign by multiple in silico algorithms, and/or has population frequency not consistent with disease.